The following is an entry in ClinVar:

ClinVar aggregate classification (germline): Uncertain significance. Review status: criteria provided, multiple submitters, no conflicts (2 of 4 stars). 3 submissions from 3 submitters: Uncertain significance (3). Last evaluated 2024-01-03.

Conditions:
Inborn genetic diseases. Identifiers: MedGen C0950123, MeSH D030342.

Allele frequency attached by ClinVar (database versions not stated): ExAC 0.00001; gnomAD exomes 0.00002; gnomAD 0.00003; TOPMed 0.00003.
gnomAD v4.1: 38 of 1,613,976 alleles (0.0024%); highest among the groups gnomAD compares: African/African-American, 0.004%; no homozygotes.

Submissions (3):

Mayo Clinic Laboratories, Mayo Clinic
Classification: Uncertain significance. Last evaluated: 2024-01-03. Review status: criteria provided, single submitter. Criteria: ACMG Guidelines, 2015. Collection method: clinical testing. Allele origin: germline. Observed: 1 variant allele.
Comment: PM2_moderate

Ambry Genetics
Classification: Uncertain significance for Inborn genetic diseases. Last evaluated: 2022-04-13. Review status: criteria provided, single submitter. Criteria: Ambry Variant Classification Scheme 2023. Collection method: clinical testing. Allele origin: germline.

Labcorp Genetics (formerly Invitae), Labcorp
Classification: Uncertain significance. Last evaluated: 2022-02-24. Review status: criteria provided, single submitter. Criteria: Invitae Variant Classification Sherloc (09022015). Collection method: clinical testing. Allele origin: germline.
Comment: This sequence change replaces alanine, which is neutral and non-polar, with serine, which is neutral and polar, at codon 2591 of the LRP2 protein (p.Ala2591Ser). This variant is present in population databases (rs774917487, gnomAD 0.007%). This variant has not been reported in the literature in individuals affected with LRP2-related conditions. Advanced modeling of protein sequence and biophysical properties (such as structural, functional, and spatial information, amino acid conservation, physicochemical variation, residue mobility, and thermodynamic stability) performed at Invitae indicates that this missense variant is not expected to disrupt LRP2 protein function. In summary, the available evidence is currently insufficient to determine the role of this variant in disease. Therefore, it has been classified as a Variant of Uncertain Significance.

NM_004525.3(LRP2):c.7771G>T (p.Ala2591Ser)

Gene: LRP2 (LDL receptor related protein 2; minus strand). Cytogenetic location: 2q31.1.
Variant type: single nucleotide variant.
Coding change: c.7771G>T on transcript NM_004525.3 (MANE Select); coding-DNA position 7771, G replaced by T.
Protein change: p.Ala2591Ser; replaces alanine 2591 with serine.
Molecular consequence: missense variant.
Genome position (GRCh38, 1-based): chr2:169,204,216, C>A on the plus strand (G>T on the coding strand, the complement: LRP2 is on the minus strand). VCF-style: chr2-169204216-C-A. GRCh37 (hg19) VCF-style: chr2-170060726-C-A.
Other names: p.Ala2591Ser; short protein forms A2591S.
Identifiers: ClinVar variation 1987598 (VCV001987598.3), dbSNP rs774917487, ClinGen allele CA1954005.
Genomic context (GRCh38, chr2:169,204,216, plus strand): 5'-ACAAGTCAGTCCAGTAAATATACTGGCCATAGAGAGTCAAGCCAAAAGCATGAACGGCTG[C>A]ATTGACAATGACTTCACGATCCACGCCCGTCAGAGTGCTGCGTTCAATCCTCTGCCTAAA-3'
Protein context (NP_004516.2, residues 2581-2601): TGVDREVIVN[Ala2591Ser]AVHAFGLTLY